The following is an entry in ClinVar:

NM_000138.5(FBN1):c.4121G>T (p.Cys1374Phe)

Gene: FBN1 (fibrillin 1; minus strand). Cytogenetic location: 15q21.1.
Variant type: single nucleotide variant.
Coding change: c.4121G>T on transcript NM_000138.5 (MANE Select); coding-DNA position 4121, G replaced by T.
Protein change: p.Cys1374Phe; replaces cysteine 1374 with phenylalanine.
Molecular consequence: missense variant.
Genome position (GRCh38, 1-based): chr15:48,474,344, C>A on the plus strand (G>T on the coding strand, the complement: FBN1 is on the minus strand). VCF-style: chr15-48474344-C-A. GRCh37 (hg19) VCF-style: chr15-48766541-C-A.
Other names: c.4121G>T, p.Cys1374Phe (NM_001406716.1); short protein forms C1374F.
Identifiers: ClinVar variation 4789651 (VCV004789651.1).
Genomic context (GRCh38, chr15:48,474,344, plus strand): 5'-CCTTCCTTGCACAGACAGCGGTAAGATCCCATGGTATTCTTGCAGTCTGCATGCTGGCTG[C>A]ACATATGGGTTCCATTGGAACATTCGTCCAGATCTTATAGAAAAAGGTTATATCATTATT-3'
Protein context (NP_000129.3, residues 1364-1384): LDECSNGTHM[Cys1374Phe]SQHADCKNTM

ClinVar aggregate classification (germline): Pathogenic (1 of 4 stars; one submission).

Conditions:
Marfan syndrome (MFS). Also called: FBN1-Related Marfan Syndrome; MARFAN SYNDROME, TYPE I; Marfan syndrome type 1; Marfan's syndrome; Marfan syndrome, classic. Identifiers: Orphanet 284963, Orphanet 558, MedGen C0024796, MONDO:0007947, OMIM 154700.
Familial thoracic aortic aneurysm and aortic dissection (TAAD). Also called: Thoracic aortic aneurysms and dissections. Identifiers: Orphanet 91387, MedGen C4707243, MONDO:0019625.

Submission:

Labcorp Genetics (formerly Invitae), Labcorp
Classification: Pathogenic for Marfan syndrome; Familial thoracic aortic aneurysm and aortic dissection. Last evaluated: 2025-09-14. Review status: criteria provided, single submitter. Criteria: Invitae Variant Classification Sherloc (09022015). Collection method: clinical testing. Allele origin: germline.
Comment: This sequence change replaces cysteine, which is neutral and slightly polar, with phenylalanine, which is neutral and non-polar, at codon 1374 of the FBN1 protein (p.Cys1374Phe). This variant is not present in population databases (gnomAD no frequency). This variant has not been reported in the literature in individuals affected with FBN1-related conditions. Invitae Evidence Modeling of protein sequence and biophysical properties (such as structural, functional, and spatial information, amino acid conservation, physicochemical variation, residue mobility, and thermodynamic stability) indicates that this missense variant is expected to disrupt FBN1 protein function with a positive predictive value of 95%. This variant affects a cysteine residue in the EGF-like, TGFBP or hybrid motif domains of FBN1. Cysteine residues are believed to be involved in intramolecular disulfide bridges and have been shown to be important for FBN1 protein structure (PMID: 16905551, 19349279). In addition, missense substitutions affecting cysteine residues within these domains are significantly overrepresented among patients with Marfan syndrome (PMID: 16571647, 17701892). This variant disrupts the p.Cys1374 amino acid residue in FBN1. Other variant(s) that disrupt this residue have been observed in individuals with FBN1-related conditions (PMID: 14695540, 19293843, 25907466), which suggests that this may be a clinically significant amino acid residue. For these reasons, this variant has been classified as Pathogenic.

Literature cited by the submitters: PubMed 16905551; PubMed 19349279; PubMed 16571647; PubMed 17701892; PubMed 14695540; PubMed 19293843; PubMed 25907466.